The following is an entry in ClinVar:

ClinVar aggregate classification (germline): Uncertain significance. Review status: criteria provided, multiple submitters, no conflicts (2 of 4 stars). 2 submissions from 2 submitters: Uncertain significance (2). Last evaluated 2024-06-17.

Conditions:
Bardet-Biedl syndrome 11 (BBS11). Identifiers: Orphanet 110, MedGen C1859569, MONDO:0014439, OMIM 615988.
Sarcotubular myopathy (LGMDR8). Also called: Autosomal recessive limb-girdle muscular dystrophy type 2H; MUSCULAR DYSTROPHY, LIMB-GIRDLE, AUTOSOMAL RECESSIVE 8; Hutterite type of muscular dystrophy; Limb-girdle muscular dystrophy, type 2H. Identifiers: Orphanet 1878, MedGen C0270968, MONDO:0009683, OMIM 254110.
Bardet-Biedl syndrome (BBS). Identifiers: Orphanet 110, MedGen C0752166, MONDO:0015229.

gnomAD v4.1: 25 of 1,613,426 alleles (0.0015%); highest among the groups gnomAD compares: Non-Finnish European, 0.0021%; no homozygotes.

Submissions (2):

Fulgent Genetics
Classification: Uncertain significance for Sarcotubular myopathy; Bardet-Biedl syndrome 11. Last evaluated: 2024-06-17. Review status: criteria provided, single submitter. Criteria: ACMG Guidelines, 2015. Collection method: clinical testing. Allele origin: germline.

Labcorp Genetics (formerly Invitae), Labcorp
Classification: Uncertain significance for Bardet-Biedl syndrome. Last evaluated: 2020-08-28. Review status: criteria provided, single submitter. Criteria: Invitae Variant Classification Sherloc (09022015). Collection method: clinical testing. Allele origin: germline.
Comment: This variant is not present in population databases (ExAC no frequency). Algorithms developed to predict the effect of missense changes on protein structure and function (SIFT, PolyPhen-2, Align-GVGD) all suggest that this variant is likely to be disruptive, but these predictions have not been confirmed by published functional studies and their clinical significance is uncertain. This variant has not been reported in the literature in individuals with TRIM32-related conditions. In summary, the available evidence is currently insufficient to determine the role of this variant in disease. Therefore, it has been classified as a Variant of Uncertain Significance. This sequence change replaces aspartic acid with valine at codon 588 of the TRIM32 protein (p.Asp588Val). The aspartic acid residue is highly conserved and there is a large physicochemical difference between aspartic acid and valine.

NM_012210.4(TRIM32):c.1763A>T (p.Asp588Val)

Genes: ASTN2 (astrotactin 2; minus strand), TRIM32 (tripartite motif containing 32; plus strand). Cytogenetic location: 9q33.1.
Variant type: single nucleotide variant.
Coding change: c.1763A>T on transcript NM_012210.4 (MANE Select); coding-DNA position 1763, A replaced by T.
Protein change: p.Asp588Val; replaces aspartic acid 588 with valine.
Molecular consequence: missense variant. On other transcripts: intron variant (3).
Genome position (GRCh38, 1-based): chr9:116,699,505, A>T. VCF-style: chr9-116699505-A-T. GRCh37 (hg19) VCF-style: chr9-119461784-A-T.
Other names: c.1763A>T, p.Asp588Val (NM_001099679.2, NM_001379048.1, NM_001379049.1 and 1 more transcripts); c.2653+26266T>A (NM_014010.5); c.2794+26266T>A (NM_001365069.1); c.2806+26266T>A (NM_001365068.1); short protein forms D588V.
Identifiers: ClinVar variation 1006294 (VCV001006294.9), dbSNP rs746890090, ClinGen allele CA198771413.